The following is an entry in ClinVar:

ClinVar aggregate classification (germline): Likely benign. Review status: criteria provided, multiple submitters, no conflicts (2 of 4 stars). 6 submissions from 6 submitters: Likely benign (5). 1 of the submissions does not count toward it. Last evaluated 2026-04-01.

Conditions:
Charcot-Marie-Tooth disease axonal type 2C (HMSN2C). Also called: CHARCOT-MARIE-TOOTH DISEASE, AXONAL, AUTOSOMAL DOMINANT, TYPE 2C; Charcot-Marie-Tooth Neuropathy Type 2C; Charcot-Marie-Tooth Disease Type 2, TRPV4-Related (CMT2C). Identifiers: Orphanet 99937, MedGen C1853710, MONDO:0011633, OMIM 606071.
TRPV4-related disorder. Also called: TRPV4-related condition; TRPV4-related disorders.

Allele frequency attached by ClinVar (database versions not stated): gnomAD exomes 0.00010 and 0.00028; ESP Exome Variant Server 0.00015; ExAC 0.00030; gnomAD 0.00046 and 0.00050; TOPMed 0.00073; 1000 Genomes Project 30x 0.00187; 1000 Genomes Project 0.00220.
gnomAD v4.1: 243 of 1,613,624 alleles (0.015%); highest among the groups gnomAD compares: African/African-American, 0.13%; no homozygotes.

Submissions (6):

CeGaT Center for Human Genetics Tuebingen
Classification: Likely benign. Last evaluated: 2026-04-01. Review status: criteria provided, single submitter. Criteria: CeGaT Center For Human Genetics Tuebingen Variant Classification Criteria Version 2. Collection method: clinical testing. Allele origin: germline. Affected: yes. Observed: 3 variant alleles.
Comment: TRPV4: BS1

Labcorp Genetics (formerly Invitae), Labcorp
Classification: Likely benign for Charcot-Marie-Tooth disease axonal type 2C. Last evaluated: 2026-01-12. Review status: criteria provided, single submitter. Criteria: Invitae Variant Classification Sherloc (09022015). Collection method: clinical testing. Allele origin: germline.

Blueprint Genetics
Classification: Likely benign. Last evaluated: 2024-11-06. Review status: criteria provided, single submitter. Criteria: ACMG Guidelines, 2015. Collection method: clinical testing. Allele origin: germline.

ARUP Laboratories, Molecular Genetics and Genomics, ARUP Laboratories
Classification: Likely benign. Last evaluated: 2021-07-16. Review status: criteria provided, single submitter. Criteria: ARUP Molecular Germline Variant Investigation Process 2021. Collection method: clinical testing. Allele origin: germline.

GeneDx
Classification: Likely benign. Last evaluated: 2020-03-28. Review status: criteria provided, single submitter. Criteria: GeneDx Variant Classification Process June 2021. Collection method: clinical testing. Allele origin: germline. Affected: yes.
Comment: This variant is associated with the following publications: (PMID: 22851605)

PreventionGenetics, part of Exact Sciences
Classification: Likely benign for TRPV4-related condition. Last evaluated: 2022-11-23. Review status: no assertion criteria provided. Collection method: clinical testing. Allele origin: germline. Not counted in ClinVar's aggregate classification.
Comment: This variant is classified as likely benign based on ACMG/AMP sequence variant interpretation guidelines (Richards et al. 2015 PMID: 25741868, with internal and published modifications).

NM_021625.5(TRPV4):c.898A>G (p.Ile300Val)

Gene: TRPV4 (transient receptor potential cation channel subfamily V member 4; minus strand). Cytogenetic location: 12q24.11.
Variant type: single nucleotide variant.
Coding change: c.898A>G on transcript NM_021625.5 (MANE Select); coding-DNA position 898, A replaced by G.
Protein change: p.Ile300Val; replaces isoleucine 300 with valine.
Molecular consequence: missense variant.
Genome position (GRCh38, 1-based): chr12:109,798,868, T>C on the plus strand (A>G on the coding strand, the complement: TRPV4 is on the minus strand). VCF-style: chr12-109798868-T-C. GRCh37 (hg19) VCF-style: chr12-110236673-T-C.
Other names: c.757A>G, p.Ile253Val (NM_001177428.2, NM_001177433.2); c.796A>G, p.Ile266Val (NM_001177431.2); c.898A>G, p.Ile300Val (NM_147204.3); short protein forms I300V, I266V, I253V.
Identifiers: ClinVar variation 385760 (VCV000385760.36), dbSNP rs114612488, ClinGen allele CA6780389.